The following is an entry in ClinVar:

ClinVar aggregate classification (germline): Pathogenic (1 of 4 stars; one submission).

Submission:

Labcorp Genetics (formerly Invitae), Labcorp
Classification: Pathogenic. Last evaluated: 2024-08-12. Review status: criteria provided, single submitter. Criteria: Invitae Variant Classification Sherloc (09022015). Collection method: clinical testing. Allele origin: germline.
Comment: This sequence change creates a premature translational stop signal (p.Lys362Asnfs*10) in the RCBTB1 gene. It is expected to result in an absent or disrupted protein product. Loss-of-function variants in RCBTB1 are known to be pathogenic (PMID: 31494449). This variant is not present in population databases (gnomAD no frequency). This variant has not been reported in the literature in individuals affected with RCBTB1-related conditions. For these reasons, this variant has been classified as Pathogenic.

Literature cited by the submitters: PubMed 31494449.

NM_018191.4(RCBTB1):c.1086_1089del (p.Lys362fs)

Gene: RCBTB1 (RCC1 and BTB domain containing protein 1; minus strand). Cytogenetic location: 13q14.2.
Variant type: Microsatellite.
Coding change: c.1086_1089del on transcript NM_018191.4 (MANE Select); coding-DNA positions 1086 to 1089, 4 bases deleted (AGAA; older notation c.1086_1089delAGAA).
Protein change: p.Lys362fs; shifts the reading frame from lysine 362.
Molecular consequence: frameshift variant. On other transcripts: non-coding transcript variant (2).
Genome position (GRCh38, 1-based): chr13:49,544,820-49,544,823, TTCT deleted on the plus strand (AGAA on the coding strand, the reverse complement: RCBTB1 is on the minus strand); deleting any 4 consecutive bases within chr13:49,544,820-49,544,828 gives the same sequence; the c. name uses the placement nearest the transcript's 3' end. VCF-style (leftmost placement, unchanged base first): chr13-49544819-ATTCT-A. GRCh37 (hg19) VCF-style: chr13-50118955-ATTCT-A.
Other names: c.1086_1089del, p.Lys362fs (NM_001352500.2, NM_001352501.2, NM_001352502.2 and 2 more transcripts); c.507_510del, p.Lys169fs (NM_001352506.2); short protein forms K169fs, K362fs.
Identifiers: ClinVar variation 1415753 (VCV001415753.6), dbSNP rs2139148607, ClinGen allele CA2580614730.